The following is an entry in ClinVar:

ClinVar aggregate classification (germline): Uncertain significance. Review status: criteria provided, multiple submitters, no conflicts (2 of 4 stars). 2 submissions from 2 submitters: Uncertain significance (2). Last evaluated 2024-10-22.

Conditions:
Hereditary cancer-predisposing syndrome. Also called: Neoplastic Syndromes, Hereditary; Hereditary Cancer Syndrome; Hereditary neoplastic syndrome; Tumor predisposition. Identifiers: Orphanet 140162, MedGen C0027672, MeSH D009386, MONDO:0015356.
Ataxia-telangiectasia syndrome (AT). Also called: Cerebello-oculocutaneous telangiectasia; Immunodeficiency with ataxia telangiectasia; Ataxia-telangiectasia, complementation group D; AT, COMPLEMENTATION GROUP C; ATAXIA-TELANGIECTASIA, FRESNO VARIANT; ATAXIA-TELANGIECTASIA, COMPLEMENTATION GROUP A. Identifiers: Orphanet 100, MedGen C0004135, MONDO:0008840, OMIM 208900.

Allele frequency attached by ClinVar (database versions not stated): gnomAD exomes below 0.00001.
gnomAD v4.1: 1 of 1,614,102 alleles (0.000062%); highest among the groups gnomAD compares: Non-Finnish European, 0.000085%; no homozygotes.

Submissions (2):

Labcorp Genetics (formerly Invitae), Labcorp
Classification: Uncertain significance for Ataxia-telangiectasia syndrome. Last evaluated: 2024-10-22. Review status: criteria provided, single submitter. Criteria: Invitae Variant Classification Sherloc (09022015). Collection method: clinical testing. Allele origin: germline.
Comment: This sequence change replaces leucine, which is neutral and non-polar, with serine, which is neutral and polar, at codon 1654 of the ATM protein (p.Leu1654Ser). This variant is not present in population databases (gnomAD no frequency). This variant has not been reported in the literature in individuals affected with ATM-related conditions. ClinVar contains an entry for this variant (Variation ID: 141352). Invitae Evidence Modeling of protein sequence and biophysical properties (such as structural, functional, and spatial information, amino acid conservation, physicochemical variation, residue mobility, and thermodynamic stability) has been performed for this missense variant. However, the output from this modeling did not meet the statistical confidence thresholds required to predict the impact of this variant on ATM protein function. In summary, the available evidence is currently insufficient to determine the role of this variant in disease. Therefore, it has been classified as a Variant of Uncertain Significance.

Ambry Genetics
Classification: Uncertain significance for Hereditary cancer-predisposing syndrome. Last evaluated: 2023-11-30. Review status: criteria provided, single submitter. Criteria: Ambry Variant Classification Scheme 2023. Collection method: clinical testing. Allele origin: germline.
Comment: The p.L1654S variant (also known as c.4961T>C), located in coding exon 32 of the ATM gene, results from a T to C substitution at nucleotide position 4961. The leucine at codon 1654 is replaced by serine, an amino acid with dissimilar properties. This amino acid position is highly conserved in available vertebrate species. In addition, this alteration is predicted to be deleterious by in silico analysis. Since supporting evidence is limited at this time, the clinical significance of this alteration remains unclear.

NM_000051.4(ATM):c.4961T>C (p.Leu1654Ser)

Gene: ATM (ATM serine/threonine kinase; plus strand). Cytogenetic location: 11q22.3.
Variant type: single nucleotide variant.
Coding change: c.4961T>C on transcript NM_000051.4 (MANE Select); coding-DNA position 4961, T replaced by C.
Protein change: p.Leu1654Ser; replaces leucine 1654 with serine.
Molecular consequence: missense variant.
Genome position (GRCh38, 1-based): chr11:108,297,338, T>C. VCF-style: chr11-108297338-T-C. GRCh37 (hg19) VCF-style: chr11-108168065-T-C.
Other names: c.4961T>C, p.Leu1654Ser (NM_001351834.2); short protein forms L1654S.
Identifiers: ClinVar variation 141352 (VCV000141352.14), dbSNP rs587781679, ClinGen allele CA165184.